The following is an entry in ClinVar:

NM_003664.5(AP3B1):c.2769A>G (p.Lys923=)

Gene: AP3B1 (adaptor related protein complex 3 subunit beta 1; minus strand). Cytogenetic location: 5q14.1.
Variant type: single nucleotide variant.
Coding change: c.2769A>G on transcript NM_003664.5 (MANE Select); coding-DNA position 2769, A replaced by G.
Protein change: p.Lys923=; no amino-acid change (lysine 923 retained).
Molecular consequence: synonymous variant.
Genome position (GRCh38, 1-based): chr5:78,039,083, T>C on the plus strand (A>G on the coding strand, the complement: AP3B1 is on the minus strand). VCF-style: chr5-78039083-T-C. GRCh37 (hg19) VCF-style: chr5-77334907-T-C.
Other names: p.Lys923=; c.2622A>G, p.Lys874= (NM_001271769.2).
Identifiers: ClinVar variation 784635 (VCV000784635.12), dbSNP rs201179527, ClinGen allele CA3316688.

ClinVar aggregate classification (germline): Likely benign. Review status: criteria provided, multiple submitters, no conflicts (2 of 4 stars). 4 submissions from 4 submitters: Likely benign (4). Last evaluated 2025-10-16.

Conditions:
Hermansky-Pudlak syndrome 2 (HPS2). Also called: Platelet defects and oculocutaneous albinism. Identifiers: Orphanet 183678, Orphanet 79430, MedGen C1842362, MONDO:0011997, OMIM 608233.

Allele frequency attached by ClinVar (database versions not stated): TOPMed 0.00002.
gnomAD v4.1: 12 of 1,608,412 alleles (0.00075%); highest among the groups gnomAD compares: Admixed American, 0.0033%; no homozygotes.

Submissions (4):

Women's Health and Genetics/Laboratory Corporation of America, LabCorp
Classification: Likely benign. Last evaluated: 2025-10-16. Review status: criteria provided, single submitter. Criteria: LabCorp Variant Classification Summary - May 2015. Collection method: clinical testing. Allele origin: germline.

Mayo Clinic Laboratories, Mayo Clinic
Classification: Likely benign. Last evaluated: 2025-08-18. Review status: criteria provided, single submitter. Criteria: ACMG Guidelines, 2015. Collection method: clinical testing. Allele origin: germline. Observed: 1 variant allele.
Comment: BP4, BP7

Labcorp Genetics (formerly Invitae), Labcorp
Classification: Likely benign for Hermansky-Pudlak syndrome 2. Last evaluated: 2025-07-22. Review status: criteria provided, single submitter. Criteria: Invitae Variant Classification Sherloc (09022015). Collection method: clinical testing. Allele origin: germline.

Blueprint Genetics
Classification: Likely benign. Last evaluated: 2023-05-04. Review status: criteria provided, single submitter. Criteria: ACMG Guidelines, 2015. Collection method: clinical testing. Allele origin: germline.